The following is an entry in ClinVar:

ClinVar aggregate classification (germline): Likely benign (1 of 4 stars; one submission).

Conditions:
SEMA7A-related disorder. Also called: SEMA7A-related condition.

gnomAD v4.1: 92 of 1,613,422 alleles (0.0057%); highest among the groups gnomAD compares: Middle Eastern, 0.016%; no homozygotes.

Submission:

PreventionGenetics, part of Exact Sciences
Classification: Likely benign for SEMA7A-related condition. Last evaluated: 2026-05-31. Review status: criteria provided, single submitter. Criteria: ACMG Guidelines, 2015. Collection method: clinical testing. Allele origin: germline.
Comment: This variant is classified as likely benign based on ACMG/AMP sequence variant interpretation guidelines (Richards et al. 2015 PMID: 25741868, with internal and published modifications).

NM_003612.5(SEMA7A):c.438C>T (p.Asn146=)

Gene: SEMA7A (semaphorin 7A (JohnMiltonHagen blood group); minus strand). Cytogenetic location: 15q24.1.
Variant type: single nucleotide variant.
Coding change: c.438C>T on transcript NM_003612.5 (MANE Select); coding-DNA position 438, C replaced by T.
Protein change: p.Asn146=; no amino-acid change (asparagine 146 retained).
Molecular consequence: synonymous variant. On other transcripts: 5 prime UTR variant (1).
Genome position (GRCh38, 1-based): chr15:74,417,904, G>A on the plus strand (C>T on the coding strand, the complement: SEMA7A is on the minus strand). VCF-style: chr15-74417904-G-A. GRCh37 (hg19) VCF-style: chr15-74710245-G-A.
Other names: c.396C>T, p.Asn132= (NM_001146029.3); c.-58C>T (NM_001146030.3).
Identifiers: ClinVar variation 4985466 (VCV004985466.1).
Genomic context (GRCh38, chr15:74,417,904, plus strand): 5'-GCTGATCAGGCACATGGGGAGCAGCCTTCTCACCAGGTTCCAGCAGCTGGGGTGCCGGGC[G>A]TTGGTGCCACAGGCCAGCAGCCCCTCACTCCGCCTCTCCAGGAGAGTGATGTAGTTCTCG-3'
Protein context (NP_003603.1, residues 136-156): RSEGLLACGT[Asn146=]ARHPSCWNLV